The following is an entry in ClinVar:

NM_004329.3(BMPR1A):c.1146C>A (p.Gly382=)

Gene: BMPR1A (bone morphogenetic protein receptor type 1A; plus strand). Cytogenetic location: 10q23.2.
Variant type: single nucleotide variant.
Coding change: c.1146C>A on transcript NM_004329.3 (MANE Select); coding-DNA position 1146, C replaced by A.
Protein change: p.Gly382=; no amino-acid change (glycine 382 retained).
Molecular consequence: synonymous variant.
Genome position (GRCh38, 1-based): chr10:86,919,449, C>A. VCF-style: chr10-86919449-C-A. GRCh37 (hg19) VCF-style: chr10-88679206-C-A.
Identifiers: ClinVar variation 187301 (VCV000187301.17), dbSNP rs786203626, ClinGen allele CA197284.

ClinVar aggregate classification (germline): Benign/Likely benign. Review status: criteria provided, multiple submitters, no conflicts (2 of 4 stars). 5 submissions from 5 submitters: Benign (1); Likely benign (4). Last evaluated 2025-11-22.

Conditions:
Juvenile polyposis syndrome (JPS). Identifiers: Orphanet 2929, MedGen C0345893, MONDO:0017380, OMIM 174900.
Hereditary cancer-predisposing syndrome. Also called: Hereditary Cancer Syndrome; Neoplastic Syndromes, Hereditary; Tumor predisposition; Hereditary neoplastic syndrome. Identifiers: Orphanet 140162, MedGen C0027672, MeSH D009386, MONDO:0015356.

Allele frequency attached by ClinVar (database versions not stated): TOPMed below 0.00001; gnomAD 0.00001.
gnomAD v4.1: 5 of 1,613,278 alleles (0.00031%); highest among the groups gnomAD compares: Non-Finnish European, 0.00042%; no homozygotes.

Submissions (5):

Labcorp Genetics (formerly Invitae), Labcorp
Classification: Likely benign for Juvenile polyposis syndrome. Last evaluated: 2025-11-22. Review status: criteria provided, single submitter. Criteria: Invitae Variant Classification Sherloc (09022015). Collection method: clinical testing. Allele origin: germline.

Myriad Genetics, Inc.
Classification: Benign for Juvenile polyposis syndrome. Last evaluated: 2024-08-06. Review status: criteria provided, single submitter. Criteria: Myriad Autosomal Dominant, Autosomal Recessive and X-Linked Classification Criteria (2023). Collection method: clinical testing. Allele origin: unknown.
Comment: This variant is considered benign. This variant is a silent/synonymous amino acid change and it is not expected to impact splicing.

All of Us Research Program, National Institutes of Health
Classification: Likely benign for Juvenile polyposis syndrome. Last evaluated: 2023-11-30. Review status: criteria provided, single submitter. Criteria: ACMG Guidelines, 2015. Collection method: clinical testing. Allele origin: germline. Inheritance: Autosomal dominant inheritance. Observed: 1 variant allele, 1 heterozygote.
Comment: This study involves interpretation of variants in research participants for the purpose of population health screening. Participant phenotype was not available at the time of variant classification. Additional details can be found in publication PMID: 35346344, PMCID: PMC8962531

Color Diagnostics, LLC DBA Color Health
Classification: Likely benign for Hereditary cancer-predisposing syndrome. Last evaluated: 2019-07-02. Review status: criteria provided, single submitter. Criteria: ACMG Guidelines, 2015. Collection method: clinical testing. Allele origin: germline.

Ambry Genetics
Classification: Likely benign for Hereditary cancer-predisposing syndrome. Last evaluated: 2014-11-28. Review status: criteria provided, single submitter. Criteria: Ambry Variant Classification Scheme 2023. Collection method: clinical testing. Allele origin: germline.